The following is an entry in ClinVar:

ClinVar aggregate classification (germline): Uncertain significance (1 of 4 stars; one submission).

Conditions:
Myofibrillar myopathy 5. Also called: FILAMINOPATHY, AUTOSOMAL DOMINANT; Filaminopathy (type). Identifiers: Orphanet 171445, MedGen C1836050, MONDO:0012289, OMIM 609524.
Hypertrophic cardiomyopathy 26. Also called: Cardiomyopathy, familial hypertrophic, 26. Identifiers: Orphanet 75249, MedGen C4310749, MONDO:0014883, OMIM 617047.
Distal myopathy with posterior leg and anterior hand involvement. Also called: WILLIAMS DISTAL MYOPATHY. Identifiers: Orphanet 63273, MedGen C3279722, MONDO:0013550, OMIM 614065.

Submission:

Labcorp Genetics (formerly Invitae), Labcorp
Classification: Uncertain significance for Distal myopathy with posterior leg and anterior hand involvement; Myofibrillar myopathy 5; Hypertrophic cardiomyopathy 26. Last evaluated: 2023-03-16. Review status: criteria provided, single submitter. Criteria: Invitae Variant Classification Sherloc (09022015). Collection method: clinical testing. Allele origin: germline.
Comment: In summary, the available evidence is currently insufficient to determine the role of this variant in disease. Therefore, it has been classified as a Variant of Uncertain Significance. Advanced modeling of protein sequence and biophysical properties (such as structural, functional, and spatial information, amino acid conservation, physicochemical variation, residue mobility, and thermodynamic stability) has been performed at Invitae for this missense variant, however the output from this modeling did not meet the statistical confidence thresholds required to predict the impact of this variant on FLNC protein function. ClinVar contains an entry for this variant (Variation ID: 1981359). This variant has not been reported in the literature in individuals affected with FLNC-related conditions. This variant is not present in population databases (gnomAD no frequency). This sequence change replaces serine, which is neutral and polar, with proline, which is neutral and non-polar, at codon 927 of the FLNC protein (p.Ser927Pro).

NM_001458.5(FLNC):c.2779T>C (p.Ser927Pro)

Gene: FLNC (filamin C; plus strand). Cytogenetic location: 7q32.1.
Variant type: single nucleotide variant.
Coding change: c.2779T>C on transcript NM_001458.5 (MANE Select); coding-DNA position 2779, T replaced by C.
Protein change: p.Ser927Pro; replaces serine 927 with proline.
Molecular consequence: missense variant.
Genome position (GRCh38, 1-based): chr7:128,843,545, T>C. VCF-style: chr7-128843545-T-C. GRCh37 (hg19) VCF-style: chr7-128483599-T-C.
Other names: c.2779T>C, p.Ser927Pro (NM_001127487.2); short protein forms S927P.
Identifiers: ClinVar variation 1981359 (VCV001981359.4), dbSNP rs2536634015, ClinGen allele CA369193250.